The following is an entry in ClinVar:

NM_015278.5(SASH1):c.2746G>T (p.Ala916Ser)

Gene: SASH1 (SAM and SH3 domain containing 1; plus strand). Cytogenetic location: 6q25.1.
Variant type: single nucleotide variant.
Coding change: c.2746G>T on transcript NM_015278.5 (MANE Select); coding-DNA position 2746, G replaced by T.
Protein change: p.Ala916Ser; replaces alanine 916 with serine.
Molecular consequence: missense variant.
Genome position (GRCh38, 1-based): chr6:148,544,216, G>T. VCF-style: chr6-148544216-G-T. GRCh37 (hg19) VCF-style: chr6-148865352-G-T.
Other names: c.2611G>T, p.Ala871Ser (NM_001346505.2); c.2374G>T, p.Ala792Ser (NM_001346506.2); c.2029G>T, p.Ala677Ser (NM_001346507.2); c.2518G>T, p.Ala840Ser (NM_001346508.2); c.2395G>T, p.Ala799Ser (NM_001346509.2); short protein forms A677S, A792S, A799S, A840S, A871S, A916S.
Identifiers: ClinVar variation 3253118 (VCV003253118.1), dbSNP rs139369529.

ClinVar aggregate classification (germline): Uncertain significance (1 of 4 stars; one submission).

gnomAD v4.1: 3 of 1,614,144 alleles (0.00019%); highest among the groups gnomAD compares: Non-Finnish European, 0.00025%; no homozygotes.

Submission:

GeneDx
Classification: Uncertain significance. Last evaluated: 2023-12-18. Review status: criteria provided, single submitter. Criteria: GeneDx Variant Classification Process June 2021. Collection method: clinical testing. Allele origin: germline. Affected: yes.
Comment: In silico analysis supports that this missense variant does not alter protein structure/function; Has not been previously published as pathogenic or benign to our knowledge